The following is an entry in ClinVar:

NM_001909.5(CTSD):c.271T>C (p.Cys91Arg)

Gene: CTSD (cathepsin D; minus strand). Cytogenetic location: 11p15.5.
Variant type: single nucleotide variant.
Coding change: c.271T>C on transcript NM_001909.5 (MANE Select); coding-DNA position 271, T replaced by C.
Protein change: p.Cys91Arg; replaces cysteine 91 with arginine.
Molecular consequence: missense variant.
Genome position (GRCh38, 1-based): chr11:1,759,597, A>G on the plus strand (T>C on the coding strand, the complement: CTSD is on the minus strand). VCF-style: chr11-1759597-A-G. GRCh37 (hg19) VCF-style: chr11-1780827-A-G.
Other names: short protein forms C91R.
Identifiers: ClinVar variation 457960 (VCV000457960.9), dbSNP rs1042278213, ClinGen allele CA216175674.

ClinVar aggregate classification (germline): Uncertain significance (1 of 4 stars; one submission).

Conditions:
Neuronal ceroid lipofuscinosis. Also called: Neuronal Ceroid Lipofuscinoses. Identifiers: Orphanet 216, Orphanet 79263, MedGen C0027877, MONDO:0016295. Disease mechanism: loss of function.

Allele frequency attached by ClinVar (database versions not stated): gnomAD exomes 0.00001; TOPMed 0.00001.
gnomAD v4.1: 3 of 1,613,524 alleles (0.00019%); highest among the groups gnomAD compares: Non-Finnish European, 0.00025%; no homozygotes.

Submission:

Labcorp Genetics (formerly Invitae), Labcorp
Classification: Uncertain significance for Neuronal ceroid lipofuscinosis. Last evaluated: 2021-08-24. Review status: criteria provided, single submitter. Criteria: Invitae Variant Classification Sherloc (09022015). Collection method: clinical testing. Allele origin: germline.
Comment: This sequence change replaces cysteine with arginine at codon 91 of the CTSD protein (p.Cys91Arg). The cysteine residue is moderately conserved and there is a large physicochemical difference between cysteine and arginine. This variant is not present in population databases (ExAC no frequency). This variant has not been reported in the literature in individuals affected with CTSD-related conditions. Algorithms developed to predict the effect of missense changes on protein structure and function (SIFT, PolyPhen-2, Align-GVGD) all suggest that this variant is likely to be tolerated. In summary, the available evidence is currently insufficient to determine the role of this variant in disease. Therefore, it has been classified as a Variant of Uncertain Significance.